The following is an entry in ClinVar:

NM_170784.3(MKKS):c.1028G>A (p.Ser343Asn)

Gene: MKKS (MKKS centrosomal shuttling protein; minus strand). Cytogenetic location: 20p12.2.
Variant type: single nucleotide variant.
Coding change: c.1028G>A on transcript NM_170784.3 (MANE Select); coding-DNA position 1028, G replaced by A.
Protein change: p.Ser343Asn; replaces serine 343 with asparagine.
Molecular consequence: missense variant. On other transcripts: non-coding transcript variant (1).
Genome position (GRCh38, 1-based): chr20:10,408,761, C>T on the plus strand (G>A on the coding strand, the complement: MKKS is on the minus strand). VCF-style: chr20-10408761-C-T. GRCh37 (hg19) VCF-style: chr20-10389409-C-T.
Other names: c.1028G>A, p.Ser343Asn (NM_018848.3); short protein forms S343N.
Identifiers: ClinVar variation 1432275 (VCV001432275.10), dbSNP rs558813240, ClinGen allele CA9763571.

ClinVar aggregate classification (germline): Conflicting classifications of pathogenicity. Review status: criteria provided, conflicting classifications (1 of 4 stars). 5 submissions from 5 submitters: Uncertain significance (2); Likely benign (2). 1 of the submissions does not count toward it. Last evaluated 2026-01-29.

Conditions:
McKusick-Kaufman syndrome (MKKS). Also called: HYDROMETROCOLPOS SYNDROME; HYDROMETROCOLPOS, POSTAXIAL POLYDACTYLY, AND CONGENITAL HEART MALFORMATION. Identifiers: Orphanet 2473, MedGen C0948368, MONDO:0009367, OMIM 236700.
Bardet-Biedl syndrome 6 (BBS6). Identifiers: Orphanet 110, MedGen C1858054, MONDO:0011523, OMIM 605231.
MKKS-related disorder. Also called: MKKS-related disorders; MKKS-related condition.
Bardet-Biedl syndrome (BBS). Identifiers: Orphanet 110, MedGen C0752166, MONDO:0015229.

Allele frequency attached by ClinVar (database versions not stated): TOPMed 0.00002; gnomAD 0.00005; gnomAD exomes 0.00009 and 0.00016; 1000 Genomes Project 30x 0.00016; 1000 Genomes Project 0.00020; ExAC 0.00023.
gnomAD v4.1: 145 of 1,613,876 alleles (0.009%); highest among the groups gnomAD compares: South Asian, 0.15%; 2 homozygotes.

Submissions (5):

Labcorp Genetics (formerly Invitae), Labcorp
Classification: Likely benign for McKusick-Kaufman syndrome; Bardet-Biedl syndrome. Last evaluated: 2026-01-29. Review status: criteria provided, single submitter. Criteria: Invitae Variant Classification Sherloc (09022015). Collection method: clinical testing. Allele origin: germline.

Fulgent Genetics
Classification: Uncertain significance for McKusick-Kaufman syndrome; Bardet-Biedl syndrome 6. Last evaluated: 2024-05-28. Review status: criteria provided, single submitter. Criteria: ACMG Guidelines, 2015. Collection method: clinical testing. Allele origin: germline.

Blueprint Genetics
Classification: Likely benign. Last evaluated: 2024-05-17. Review status: criteria provided, single submitter. Criteria: ACMG Guidelines, 2015. Collection method: clinical testing. Allele origin: germline.

New York Genome Center
Classification: Uncertain significance for Bardet-Biedl syndrome 6; McKusick-Kaufman syndrome. Last evaluated: 2021-10-25. Review status: criteria provided, single submitter. Criteria: NYGC Assertion Criteria 2020. Collection method: clinical testing. Allele origin: germline. Observed: 1 heterozygote.

PreventionGenetics, part of Exact Sciences
Classification: Uncertain significance for MKKS-related condition. Last evaluated: 2024-08-16. Review status: no assertion criteria provided. Collection method: clinical testing. Allele origin: germline. Not counted in ClinVar's aggregate classification.
Comment: The MKKS c.1028G>A variant is predicted to result in the amino acid substitution p.Ser343Asn. To our knowledge, this variant has not been reported in the literature. This variant is reported in 0.12% of alleles in individuals of South Asian descent in gnomAD. Although we suspect that this variant may be benign, at this time, the clinical significance of this variant is uncertain due to the absence of conclusive functional and genetic evidence.